The following is an entry in ClinVar:

ClinVar aggregate classification (germline): Likely benign. Review status: criteria provided, multiple submitters, no conflicts (2 of 4 stars). 2 submissions from 2 submitters: Likely benign (2). Last evaluated 2025-04-17.

Conditions:
COL4A1-related disorder. Also called: COL4A1-related disorders; COL4A1-related condition. Identifiers: MedGen CN376119, MONDO:0800461.

Allele frequency attached by ClinVar (database versions not stated): gnomAD exomes below 0.00001 and 0.00001; TOPMed below 0.00001; gnomAD 0.00001.
gnomAD v4.1: 5 of 1,614,016 alleles (0.00031%); highest among the groups gnomAD compares: Admixed American, 0.0067%; no homozygotes.

Submissions (2):

Labcorp Genetics (formerly Invitae), Labcorp
Classification: Likely benign. Last evaluated: 2025-04-17. Review status: criteria provided, single submitter. Criteria: Invitae Variant Classification Sherloc (09022015). Collection method: clinical testing. Allele origin: germline.

PreventionGenetics, part of Exact Sciences
Classification: Likely benign for COL4A1-related condition. Last evaluated: 2024-10-17. Review status: criteria provided, single submitter. Criteria: ACMG Guidelines, 2015. Collection method: clinical testing. Allele origin: germline.
Comment: This variant is classified as likely benign based on ACMG/AMP sequence variant interpretation guidelines (Richards et al. 2015 PMID: 25741868, with internal and published modifications).

NM_001845.6(COL4A1):c.85-7C>T

Gene: COL4A1 (collagen type IV alpha 1 chain; minus strand). Cytogenetic location: 13q34.
Variant type: single nucleotide variant.
Coding change: c.85-7C>T on transcript NM_001845.6 (MANE Select); 7 bases into the intron before coding-DNA position 85, C replaced by T.
Molecular consequence: intron variant.
Genome position (GRCh38, 1-based): chr13:110,242,741, G>A on the plus strand (C>T on the coding strand, the complement: COL4A1 is on the minus strand). VCF-style: chr13-110242741-G-A. GRCh37 (hg19) VCF-style: chr13-110895088-G-A.
Other names: c.85-7C>T (NM_001845.5, NM_001303110.2).
Identifiers: ClinVar variation 1643509 (VCV001643509.9), dbSNP rs1049817298, ClinGen allele CA256257253.